The following is an entry in ClinVar:

NM_172107.4(KCNQ2):c.1968G>C (p.Glu656Asp)

Gene: KCNQ2 (potassium voltage-gated channel subfamily Q member 2; minus strand). Cytogenetic location: 20q13.33.
Variant type: single nucleotide variant.
Coding change: c.1968G>C on transcript NM_172107.4 (MANE Select); coding-DNA position 1968, G replaced by C.
Protein change: p.Glu656Asp; replaces glutamic acid 656 with aspartic acid.
Molecular consequence: missense variant.
Genome position (GRCh38, 1-based): chr20:63,407,295, C>G on the plus strand (G>C on the coding strand, the complement: KCNQ2 is on the minus strand). VCF-style: chr20-63407295-C-G. GRCh37 (hg19) VCF-style: chr20-62038648-C-G.
Other names: c.2022G>C, p.Glu674Asp (NM_001382235.1); c.1884G>C, p.Glu628Asp (NM_004518.6); c.1914G>C, p.Glu638Asp (NM_172106.3); c.1875G>C, p.Glu625Asp (NM_172108.5); short protein forms E625D, E628D, E656D, E674D, E638D.
Identifiers: ClinVar variation 1507546 (VCV001507546.7), dbSNP rs1245262343, ClinGen allele CA409639316.

ClinVar aggregate classification (germline): Uncertain significance (1 of 4 stars; one submission).

Conditions:
Early-infantile DEE. Also called: Early infantile epileptic encephalopathy; Ohtahara syndrome; Early infantile epileptic encephalopathy with suppression bursts. Identifiers: Orphanet 1934, MedGen C0393706, MONDO:0800491.

gnomAD v4.1: 9 of 1,595,582 alleles (0.00056%); highest among the groups gnomAD compares: Non-Finnish European, 0.00076%; no homozygotes.

Submission:

Labcorp Genetics (formerly Invitae), Labcorp
Classification: Uncertain significance for Early-infantile DEE. Last evaluated: 2026-01-26. Review status: criteria provided, single submitter. Criteria: Invitae Variant Classification Sherloc (09022015). Collection method: clinical testing. Allele origin: germline.
Comment: This sequence change replaces glutamic acid, which is acidic and polar, with aspartic acid, which is acidic and polar, at codon 656 of the KCNQ2 protein (p.Glu656Asp). This variant is not present in population databases (gnomAD no frequency). This variant has not been reported in the literature in individuals affected with KCNQ2-related conditions. ClinVar contains an entry for this variant (Variation ID: 1507546). Invitae Evidence Modeling of protein sequence and biophysical properties (such as structural, functional, and spatial information, amino acid conservation, physicochemical variation, residue mobility, and thermodynamic stability) has been performed for this missense variant. However, the output from this modeling did not meet the statistical confidence thresholds required to predict the impact of this variant on KCNQ2 protein function. In summary, the available evidence is currently insufficient to determine the role of this variant in disease. Therefore, it has been classified as a Variant of Uncertain Significance.